The following is an entry in ClinVar:

ClinVar aggregate classification (germline): Uncertain significance (1 of 4 stars; one submission).

Conditions:
Inborn genetic diseases. Identifiers: MedGen C0950123, MeSH D030342.

gnomAD v4.1: 1 of 1,614,102 alleles (0.000062%); highest among the groups gnomAD compares: Admixed American, 0.0017%; no homozygotes.

Submission:

Ambry Genetics
Classification: Uncertain significance for Inborn genetic diseases. Last evaluated: 2025-12-21. Review status: criteria provided, single submitter. Criteria: Ambry Variant Classification Scheme 2023. Collection method: clinical testing. Allele origin: germline.
Comment: The p.S818C variant (also known as c.2453C>G), located in coding exon 12 of the BMPR2 gene, results from a C to G substitution at nucleotide position 2453. The serine at codon 818 is replaced by cysteine, an amino acid with dissimilar properties. This amino acid position is conserved. In addition, the in silico prediction for this alteration is inconclusive. Based on the available evidence, the clinical significance of this variant remains unclear.

NM_001204.7(BMPR2):c.2453C>G (p.Ser818Cys)

Gene: BMPR2 (bone morphogenetic protein receptor type 2; plus strand). Cytogenetic location: 2q33.2.
Variant type: single nucleotide variant.
Coding change: c.2453C>G on transcript NM_001204.7 (MANE Select); coding-DNA position 2453, C replaced by G.
Protein change: p.Ser818Cys; replaces serine 818 with cysteine.
Molecular consequence: missense variant.
Genome position (GRCh38, 1-based): chr2:202,556,118, C>G. VCF-style: chr2-202556118-C-G. GRCh37 (hg19) VCF-style: chr2-203420841-C-G.
Other names: short protein forms S818C.
Identifiers: ClinVar variation 4843356 (VCV004843356.1).